The following is an entry in ClinVar:

NM_033026.6(PCLO):c.2089del (p.Ala697fs)

Gene: PCLO (piccolo presynaptic cytomatrix protein; minus strand). Cytogenetic location: 7q21.11.
Variant type: Deletion.
Coding change: c.2089del on transcript NM_033026.6 (MANE Select); coding-DNA position 2089, one base deleted (G; older notation c.2089delG).
Protein change: p.Ala697fs; shifts the reading frame from alanine 697.
Molecular consequence: frameshift variant.
Genome position (GRCh38, 1-based): chr7:83,135,461, C deleted on the plus strand (G on the coding strand, the reverse complement: PCLO is on the minus strand); the first of 2 consecutive C bases (chr7:83,135,461-83,135,462); deleting either gives the same sequence. VCF-style (leftmost placement, unchanged base first): chr7-83135460-GC-G. GRCh37 (hg19) VCF-style: chr7-82764776-GC-G.
Other names: c.2089del, p.Ala697fs (NM_014510.3); short protein forms A697fs.
Identifiers: ClinVar variation 1370269 (VCV001370269.6), dbSNP rs2116619497, ClinGen allele CA2573142380.

ClinVar aggregate classification (germline): Pathogenic (1 of 4 stars; one submission).

Submission:

Labcorp Genetics (formerly Invitae), Labcorp
Classification: Pathogenic. Last evaluated: 2024-05-15. Review status: criteria provided, single submitter. Criteria: Invitae Variant Classification Sherloc (09022015). Collection method: clinical testing. Allele origin: germline.
Comment: This sequence change creates a premature translational stop signal (p.Ala697Hisfs*10) in the PCLO gene. It is expected to result in an absent or disrupted protein product. Loss-of-function variants in PCLO are known to be pathogenic (PMID: 25832664, 30287594). This variant is not present in population databases (gnomAD no frequency). This variant has not been reported in the literature in individuals affected with PCLO-related conditions. ClinVar contains an entry for this variant (Variation ID: 1370269). For these reasons, this variant has been classified as Pathogenic.

Literature cited by the submitters: PubMed 25832664; PubMed 30287594.